The following is an entry in ClinVar:

NM_001374353.1(GLI2):c.1348AAG[1] (p.Lys451del)

Gene: GLI2 (GLI family zinc finger 2; plus strand). Cytogenetic location: 2q14.2.
Variant type: Microsatellite.
Coding change: c.1348AAG[1] on transcript NM_001374353.1 (MANE Select); one copy of the 3-base unit AAG starting at c.1348; the reference has two copies in a row; one copy, 3 bases deleted.
Protein change: p.Lys451del; deletes lysine 451.
Molecular consequence: inframe deletion.
Genome position (GRCh38, 1-based): chr2:120,978,467-120,978,469, AAG deleted; deleting any 3 consecutive bases within chr2:120,978,462-120,978,469 gives the same sequence; the position shown is the placement nearest the transcript's 3' end. VCF-style (leftmost placement, unchanged base first): chr2-120978461-GAGA-G. GRCh37 (hg19) VCF-style: chr2-121736037-GAGA-G.
Other names: c.1402_1404delAAG (NM_005270.4); c.1402_1404del (NM_005270.4); c.1399AAG[1], p.Lys468del (NM_001371271.1, NM_005270.5); c.973AAG[1], p.Lys326del (NM_001374354.1); short protein forms K326del, K451del, K468del.
Identifiers: ClinVar variation 2629766 (VCV002629766.2), dbSNP rs1273307565, ClinGen allele CA645539539.

ClinVar aggregate classification (germline): Uncertain significance. Review status: criteria provided, multiple submitters, no conflicts (2 of 4 stars). 2 submissions from 2 submitters: Uncertain significance (2). Last evaluated 2025-05-09.

Conditions:
GLI2-related disorder. Also called: GLI2-related disorders; GLI2-related condition.

Submissions (2):

GeneDx
Classification: Uncertain significance. Last evaluated: 2025-05-09. Review status: criteria provided, single submitter. Criteria: GeneDx Variant Classification Process June 2021. Collection method: clinical testing. Allele origin: germline. Affected: yes.
Comment: In-frame deletion of 1 amino acid in a non-repeat region; Not observed at significant frequency in large population cohorts (gnomAD); In silico analysis supports a deleterious effect on protein structure/function; Has not been previously published as pathogenic or benign to our knowledge

PreventionGenetics, part of Exact Sciences
Classification: Uncertain significance for GLI2-related condition. Last evaluated: 2023-01-19. Review status: criteria provided, single submitter. Criteria: ACMG Guidelines, 2015. Collection method: clinical testing. Allele origin: germline.
Comment: The GLI2 c.1402_1404delAAG variant is predicted to result in an in-frame deletion (p.Lys468del). To our knowledge, this variant has not been reported in the literature or in a large population database, indicating this variant is rare. At this time, the clinical significance of this variant is uncertain due to the absence of conclusive functional and genetic evidence.